The following is an entry in ClinVar:

NM_004551.3(NDUFS3):c.26T>C (p.Leu9Pro)

Gene: NDUFS3 (NADH:ubiquinone oxidoreductase core subunit S3; plus strand). Cytogenetic location: 11p11.2.
Variant type: single nucleotide variant.
Coding change: c.26T>C on transcript NM_004551.3 (MANE Select); coding-DNA position 26, T replaced by C.
Protein change: p.Leu9Pro; replaces leucine 9 with proline.
Molecular consequence: missense variant.
Genome position (GRCh38, 1-based): chr11:47,579,117, T>C. VCF-style: chr11-47579117-T-C. GRCh37 (hg19) VCF-style: chr11-47600669-T-C.
Other names: short protein forms L9P.
Identifiers: ClinVar variation 2014671 (VCV002014671.4), dbSNP rs2509726621, ClinGen allele CA380356451.

ClinVar aggregate classification (germline): Uncertain significance (1 of 4 stars; one submission).

Allele frequency attached by ClinVar (database versions not stated): gnomAD exomes below 0.00001.
gnomAD v4.1: 1 of 1,588,376 alleles (0.000063%); highest among the groups gnomAD compares: Non-Finnish European, 0.000086%; no homozygotes.

Submission:

Labcorp Genetics (formerly Invitae), Labcorp
Classification: Uncertain significance. Last evaluated: 2023-10-13. Review status: criteria provided, single submitter. Criteria: Invitae Variant Classification Sherloc (09022015). Collection method: clinical testing. Allele origin: germline.
Comment: This sequence change replaces leucine, which is neutral and non-polar, with proline, which is neutral and non-polar, at codon 9 of the NDUFS3 protein (p.Leu9Pro). This variant is not present in population databases (gnomAD no frequency). This variant has not been reported in the literature in individuals affected with NDUFS3-related conditions. ClinVar contains an entry for this variant (Variation ID: 2014671). An algorithm developed to predict the effect of missense changes on protein structure and function (PolyPhen-2) suggests that this variant is likely to be tolerated. In summary, the available evidence is currently insufficient to determine the role of this variant in disease. Therefore, it has been classified as a Variant of Uncertain Significance.